The following is an entry in ClinVar:

ClinVar aggregate classification (germline): Conflicting classifications of pathogenicity. Review status: criteria provided, conflicting classifications (1 of 4 stars). 3 submissions from 3 submitters: Uncertain significance (2); Likely benign (1). Last evaluated 2025-08-14.

Conditions:
Hereditary cancer-predisposing syndrome. Also called: Neoplastic Syndromes, Hereditary; Hereditary neoplastic syndrome; Tumor predisposition; Hereditary Cancer Syndrome. Identifiers: Orphanet 140162, MedGen C0027672, MeSH D009386, MONDO:0015356.
Gorlin syndrome. Also called: Basal cell nevus syndrome; Nevoid Basal Cell Carcinoma Syndrome. Identifiers: Orphanet 377, MedGen C0004779, MONDO:0007187.

Allele frequency attached by ClinVar (database versions not stated): gnomAD exomes below 0.00001; ExAC 0.00001.
gnomAD v4.1: 1 of 1,614,178 alleles (0.000062%); highest among the groups gnomAD compares: Non-Finnish European, 0.000085%; no homozygotes.

Submissions (3):

Ambry Genetics
Classification: Uncertain significance for Hereditary cancer-predisposing syndrome. Last evaluated: 2025-08-14. Review status: criteria provided, single submitter. Criteria: Ambry Variant Classification Scheme 2023. Collection method: clinical testing. Allele origin: germline.
Comment: The p.N940S variant (also known as c.2819A>G), located in coding exon 17 of the PTCH1 gene, results from an A to G substitution at nucleotide position 2819. The asparagine at codon 940 is replaced by serine, an amino acid with highly similar properties. This amino acid position is conserved. In addition, the in silico prediction for this alteration is inconclusive. Based on the available evidence, the clinical significance of this variant remains unclear.

Labcorp Genetics (formerly Invitae), Labcorp
Classification: Likely benign for Gorlin syndrome. Last evaluated: 2025-04-02. Review status: criteria provided, single submitter. Criteria: Invitae Variant Classification Sherloc (09022015). Collection method: clinical testing. Allele origin: germline.

Sema4
Classification: Uncertain significance for Hereditary cancer-predisposing syndrome. Last evaluated: 2021-08-10. Review status: criteria provided, single submitter. Criteria: Sema4 Curation Guidelines. Collection method: curation. Allele origin: germline.
Comment: The PTCH1 c.2819A>G (p.N940S) variant has not been reported in the literature to our knowledge. It was observed in 1/113766 chromosomes of the Non-Finnish European subpopulation in the large and broad cohorts of the Genome Aggregation Database (PMID: 32461654). The variant has been reported in ClinVar (Variation ID: 835188). Functional studies have not been performed, and in silico predictions of the variant's effect on protein function are inconclusive. The evidence is insufficient to meet ACMG/AMP criteria for classifying the variant as benign or pathogenic. Thus, the clinical significance of this variant is currently uncertain.

NM_000264.5(PTCH1):c.2819A>G (p.Asn940Ser)

Gene: PTCH1 (patched 1; minus strand). Cytogenetic location: 9q22.32.
Variant type: single nucleotide variant.
Coding change: c.2819A>G on transcript NM_000264.5 (MANE Select); coding-DNA position 2819, A replaced by G.
Protein change: p.Asn940Ser; replaces asparagine 940 with serine.
Molecular consequence: missense variant. On other transcripts: non-coding transcript variant (1).
Genome position (GRCh38, 1-based): chr9:95,459,668, T>C on the plus strand (A>G on the coding strand, the complement: PTCH1 is on the minus strand). VCF-style: chr9-95459668-T-C. GRCh37 (hg19) VCF-style: chr9-98221950-T-C.
Other names: c.2621A>G, p.Asn874Ser (NM_001083602.3); c.2816A>G, p.Asn939Ser (NM_001083603.3); c.2366A>G, p.Asn789Ser (NM_001083604.3, NM_001083605.3, NM_001083606.3 and 1 more transcripts); c.2663A>G, p.Asn888Ser (NM_001354918.2); short protein forms N789S, N888S, N939S, N940S, N874S.
Identifiers: ClinVar variation 835188 (VCV000835188.12), dbSNP rs749406453, ClinGen allele CA5138320.
Genomic context (GRCh38, chr9:95,459,668, plus strand): 5'-CTTGTTTCAGGCATGTAGTCGGCTTTGTCGTGGACCCATTCTGGTCGGTGTGGCCGGATG[T>C]TGGCCTGGGAGGCAGCATACGCGACGGGGTCGTTGCTGACCCAAGCCGTCAGGTAGATGT-3'
Protein context (NP_000255.2, residues 930-950): DPVAYAASQA[Asn940Ser]IRPHRPEWVH